The following is an entry in ClinVar:

ClinVar aggregate classification (germline): Likely benign. Review status: criteria provided, single submitter (1 of 4 stars). 2 submissions from 2 submitters: Likely benign (1). 1 of the submissions does not count toward it. Last evaluated 2024-09-12.

Conditions:
JAG1-related disorder. Also called: JAG1-related disorders; JAG1-related condition.

Allele frequency attached by ClinVar (database versions not stated): ExAC 0.00002; TOPMed 0.00008; gnomAD 0.00009.
gnomAD v4.1: 66 of 1,612,812 alleles (0.0041%); highest among the groups gnomAD compares: Admixed American, 0.017%; no homozygotes.

Submissions (2):

Blueprint Genetics
Classification: Likely benign. Last evaluated: 2024-09-12. Review status: criteria provided, single submitter. Criteria: ACMG Guidelines, 2015. Collection method: clinical testing. Allele origin: germline.

PreventionGenetics, part of Exact Sciences
Classification: Likely benign for JAG1-related condition. Last evaluated: 2021-07-23. Review status: no assertion criteria provided. Collection method: clinical testing. Allele origin: germline. Not counted in ClinVar's aggregate classification.
Comment: This variant is classified as likely benign based on ACMG/AMP sequence variant interpretation guidelines (Richards et al. 2015 PMID: 25741868, with internal and published modifications).

NM_000214.3(JAG1):c.*8C>T

Gene: JAG1 (jagged canonical Notch ligand 1; minus strand). Cytogenetic location: 20p12.2.
Variant type: single nucleotide variant.
Coding change: c.*8C>T on transcript NM_000214.3 (MANE Select); 8 bases downstream of the stop codon, C replaced by T.
Molecular consequence: 3 prime UTR variant.
Genome position (GRCh38, 1-based): chr20:10,639,490, G>A on the plus strand (C>T on the coding strand, the complement: JAG1 is on the minus strand). VCF-style: chr20-10639490-G-A. GRCh37 (hg19) VCF-style: chr20-10620138-G-A.
Identifiers: ClinVar variation 3036815 (VCV003036815.3), dbSNP rs752554040, ClinGen allele CA9764163.